The following is an entry in ClinVar:

ClinVar aggregate classification (germline): Uncertain significance (1 of 4 stars; one submission).

Conditions:
Long QT syndrome 10 (LQT10). Identifiers: Orphanet 101016, Orphanet 768, MedGen C2678484, MONDO:0012737, OMIM 611819.

Submission:

Labcorp Genetics (formerly Invitae), Labcorp
Classification: Uncertain significance for Long QT syndrome 10. Last evaluated: 2023-08-04. Review status: criteria provided, single submitter. Criteria: Invitae Variant Classification Sherloc (09022015). Collection method: clinical testing. Allele origin: germline.
Comment: This sequence change replaces proline, which is neutral and non-polar, with histidine, which is basic and polar, at codon 91 of the SCN4B protein (p.Pro91His). This variant is not present in population databases (gnomAD no frequency). This variant has not been reported in the literature in individuals affected with SCN4B-related conditions. ClinVar contains an entry for this variant (Variation ID: 1403433). An algorithm developed to predict the effect of missense changes on protein structure and function (PolyPhen-2) suggests that this variant is likely to be disruptive. In summary, the available evidence is currently insufficient to determine the role of this variant in disease. Therefore, it has been classified as a Variant of Uncertain Significance.

NM_174934.4(SCN4B):c.272C>A (p.Pro91His)

Genes: SCN4B (sodium voltage-gated channel beta subunit 4; minus strand), LOC126861356 (BRD4-independent group 4 enhancer GRCh37_chr11:118014519-118015718; plus strand). Cytogenetic location: 11q23.3.
Variant type: single nucleotide variant.
Coding change: c.272C>A on transcript NM_174934.4 (MANE Select); coding-DNA position 272, C replaced by A.
Protein change: p.Pro91His; replaces proline 91 with histidine.
Molecular consequence: missense variant. On other transcripts: 5 prime UTR variant (1), non-coding transcript variant (1), intron variant (1).
Genome position (GRCh38, 1-based): chr11:118,144,024, G>T on the plus strand (C>A on the coding strand, the complement: SCN4B is on the minus strand). VCF-style: chr11-118144024-G-T. GRCh37 (hg19) VCF-style: chr11-118014739-G-T.
Other names: c.-59C>A (NM_001142349.2); c.62-2688C>A (NM_001142348.2); short protein forms P91H.
Identifiers: ClinVar variation 1403433 (VCV001403433.8), dbSNP rs2135504067, ClinGen allele CA382778387.
Genomic context (GRCh38, chr11:118,144,024, plus strand): 5'-ATCTTCTCCTTAGTAGAGCCTACCAGAGTGATGCGGTCATCGTCTTTCAACGTCACCTTG[G>T]GGTCAGACTTCTCATTCTTCACAGTCCCCTCTATGAGCTGGTGGAGGAAGGGAGTTGGGG-3'
Protein context (NP_777594.1, residues 81-101): EGTVKNEKSD[Pro91His]KVTLKDDDRI